The following is an entry in ClinVar:

ClinVar aggregate classification (germline): Benign (0 of 4 stars; one submission).

Conditions:
CD209-related disorder. Also called: CD209-related condition.

Allele frequency attached by ClinVar (database versions not stated): gnomAD exomes 0.00653; ExAC 0.01375; 1000 Genomes Project 0.03594; gnomAD 0.03599; ESP Exome Variant Server 0.03998; TOPMed 0.04077; 1000 Genomes Project 30x 0.04091.
gnomAD v4.1: 15,427 of 1,614,038 alleles (0.96%); highest among the groups gnomAD compares: African/African-American, 12%; 549 homozygotes.

Submission:

PreventionGenetics, part of Exact Sciences
Classification: Benign for CD209-related condition. Last evaluated: 2019-10-29. Review status: no assertion criteria provided. Collection method: clinical testing. Allele origin: germline.
Comment: This variant is classified as benign based on ACMG/AMP sequence variant interpretation guidelines (Richards et al. 2015 PMID: 25741868, with internal and published modifications).

NM_021155.4(CD209):c.927A>G (p.Arg309=)

Gene: CD209 (CD209 molecule; minus strand). Cytogenetic location: 19p13.2.
Variant type: single nucleotide variant.
Coding change: c.927A>G on transcript NM_021155.4 (MANE Select); coding-DNA position 927, A replaced by G.
Protein change: p.Arg309=; no amino-acid change (arginine 309 retained).
Molecular consequence: synonymous variant. On other transcripts: non-coding transcript variant (1).
Genome position (GRCh38, 1-based): chr19:7,744,193, T>C on the plus strand (A>G on the coding strand, the complement: CD209 is on the minus strand). VCF-style: chr19-7744193-T-C. GRCh37 (hg19) VCF-style: chr19-7809079-T-C.
Other names: c.519A>G, p.Arg173= (NM_001144893.2); c.795A>G, p.Arg265= (NM_001144894.2); c.651A>G, p.Arg217= (NM_001144895.2); c.855A>G, p.Arg285= (NM_001144896.2); c.909A>G, p.Arg303= (NM_001144897.2); c.444A>G, p.Arg148= (NM_001144899.2).
Identifiers: ClinVar variation 3039142 (VCV003039142.2), dbSNP rs17159887, ClinGen allele CA9145901.
Genomic context (GRCh38, chr19:7,744,193, plus strand): 5'-CCATTGCCACGTGCCTTCCTGATTTAGATCTGAAAGTCCCATCCAGGTGAAGCGGTTACT[T>C]CTGGAAGACTGCAGCTGTAGGAAGTTCTGGAGGGTACAGGAGGAGTCAGGAGGGAGCTCT-3'
Protein context (NP_066978.1, residues 299-319): EQNFLQLQSS[Arg309=]SNRFTWMGLS